The following is an entry in ClinVar:

ClinVar aggregate classification (germline): Uncertain significance (1 of 4 stars; one submission).

Conditions:
ABCC2-related disorder. Also called: ABCC2-related condition.

gnomAD v4.1: 99 of 1,613,902 alleles (0.0061%); highest among the groups gnomAD compares: Admixed American, 0.012%; no homozygotes.

Submission:

PreventionGenetics, part of Exact Sciences
Classification: Uncertain significance for ABCC2-related condition. Last evaluated: 2026-02-05. Review status: criteria provided, single submitter. Criteria: ACMG Guidelines, 2015. Collection method: clinical testing. Allele origin: germline.
Comment: The ABCC2 c.1493G>A variant is predicted to result in the amino acid substitution p.Arg498His. To our knowledge, this variant has not been reported in the literature. This variant is reported in 0.011% of alleles in individuals of Latino descent in gnomAD. At this time, the clinical significance of this variant is uncertain due to the absence of conclusive functional and genetic evidence.

NM_000392.5(ABCC2):c.1493G>A (p.Arg498His)

Gene: ABCC2 (ATP binding cassette subfamily C member 2; plus strand). Cytogenetic location: 10q24.2.
Variant type: single nucleotide variant.
Coding change: c.1493G>A on transcript NM_000392.5 (MANE Select); coding-DNA position 1493, G replaced by A.
Protein change: p.Arg498His; replaces arginine 498 with histidine.
Molecular consequence: missense variant.
Genome position (GRCh38, 1-based): chr10:99,805,410, G>A. VCF-style: chr10-99805410-G-A. GRCh37 (hg19) VCF-style: chr10-101565167-G-A.
Other names: short protein forms R498H.
Identifiers: ClinVar variation 4977874 (VCV004977874.1).